The following is an entry in ClinVar:

NM_001330260.2(SCN8A):c.616T>C (p.Tyr206His)

Gene: SCN8A (sodium voltage-gated channel alpha subunit 8; plus strand). Cytogenetic location: 12q13.13.
Variant type: single nucleotide variant.
Coding change: c.616T>C on transcript NM_001330260.2 (MANE Select); coding-DNA position 616, T replaced by C.
Protein change: p.Tyr206His; replaces tyrosine 206 with histidine.
Molecular consequence: missense variant. On other transcripts: intron variant (2).
Genome position (GRCh38, 1-based): chr12:51,689,006, T>C. VCF-style: chr12-51689006-T-C. GRCh37 (hg19) VCF-style: chr12-52082790-T-C.
Other names: c.616T>C, p.Tyr206His (NM_001369788.1); c.706+157T>C (NM_014191.4, NM_001177984.3); short protein forms Y206H.
Identifiers: ClinVar variation 4731129 (VCV004731129.1).

ClinVar aggregate classification (germline): Uncertain significance (1 of 4 stars; one submission).

Conditions:
Early-infantile DEE. Also called: Early infantile epileptic encephalopathy; Early infantile epileptic encephalopathy with suppression bursts; Ohtahara syndrome. Identifiers: Orphanet 1934, MedGen C0393706, MONDO:0800491.

gnomAD v4.1: 2 of 1,613,454 alleles (0.00012%); highest among the groups gnomAD compares: African/African-American, 0.0027%; no homozygotes.

Submission:

Labcorp Genetics (formerly Invitae), Labcorp
Classification: Uncertain significance for Early-infantile DEE. Last evaluated: 2025-04-26. Review status: criteria provided, single submitter. Criteria: Invitae Variant Classification Sherloc (09022015). Collection method: clinical testing. Allele origin: germline.
Comment: The SCN8A gene has multiple clinically relevant transcripts. This variant occurs in alternate transcript NM_001330260.1, and corresponds to NM_014191.3:c.706+157T>C in the primary transcript. This sequence change replaces tyrosine, which is neutral and polar, with histidine, which is basic and polar, at codon 206 of the SCN8A protein (p.Tyr206His). This variant is not present in population databases (gnomAD no frequency). This variant has not been reported in the literature in individuals affected with SCN8A-related conditions. Experimental studies and prediction algorithms are not available or were not evaluated, and the functional significance of this variant is currently unknown. In summary, the available evidence is currently insufficient to determine the role of this variant in disease. Therefore, it has been classified as a Variant of Uncertain Significance.